The following is an entry in ClinVar:

NC_000015.9:g.(?_80869187)_(80869326_?)del

Gene: ARNT2 (aryl hydrocarbon receptor nuclear translocator 2; plus strand). Cytogenetic location: 15q25.1.
Variant type: Deletion.
Identifiers: ClinVar variation 2425994 (VCV002425994.2).

ClinVar aggregate classification (germline): Pathogenic (1 of 4 stars; one submission).

Submission:

Labcorp Genetics (formerly Invitae), Labcorp
Classification: Pathogenic. Last evaluated: 2022-07-14. Review status: criteria provided, single submitter. Criteria: Invitae Variant Classification Sherloc (09022015). Collection method: clinical testing. Allele origin: germline.
Comment: For these reasons, this variant has been classified as Pathogenic. This variant has not been reported in the literature in individuals affected with ARNT2-related conditions. This variant is a gross deletion of the genomic region encompassing exon(s) 15 of the ARNT2 gene. This deletion is out-of-frame, and is expected to create a premature termination codon and result in an absent or disrupted protein product. Loss-of-function variants in ARNT2 are known to be pathogenic (PMID: 24022475).

Literature cited by the submitters: PubMed 24022475.